The following is an entry in ClinVar:

ClinVar aggregate classification (germline): Likely pathogenic (1 of 4 stars; one submission).

Conditions:
Glycogen storage disease, type II (IOPD). Also called: POMPE DISEASE, INFANTILE-ONSET; GLYCOGEN STORAGE DISEASE II, INFANTILE-ONSET; ACID ALPHA-GLUCOSIDASE DEFICIENCY, INFANTILE-ONSET; GAA DEFICIENCY, INFANTILE-ONSET; ACID MALTASE DEFICIENCY, INFANTILE-ONSET; CARDIOMEGALIA GLYCOGENICA DIFFUSA. Identifiers: Orphanet 365, MedGen C0017921, MONDO:0009290, OMIM 232300.

Submission:

Dubai Health Genomic Medicine Center, Dubai Health
Classification: Likely pathogenic for Glycogen storage disease II. Last evaluated: 2024-10-04. Review status: criteria provided, single submitter. Criteria: ACMG Guidelines, 2015. Collection method: research. Allele origin: germline. Affected: yes.
Comment: PVS1, PM2, PP4

NM_000152.5(GAA):c.2402del (p.Glu801fs)

Gene: GAA (alpha glucosidase; plus strand). Cytogenetic location: 17q25.3.
Variant type: Deletion.
Coding change: c.2402del on transcript NM_000152.5 (MANE Select); coding-DNA position 2402, one base deleted (A; older notation c.2402delA).
Protein change: p.Glu801fs; shifts the reading frame from glutamic acid 801.
Molecular consequence: frameshift variant.
Genome position (GRCh38, 1-based): chr17:80,117,670, A deleted. VCF-style (leftmost placement, unchanged base first): chr17-80117669-GA-G. GRCh37 (hg19) VCF-style: chr17-78091468-GA-G.
Other names: c.2402delA, p.Glu801Glyfs (NM_000152.3, NM_001406741.1, NM_001406742.1); c.2402del, p.Glu801fs (NM_001079803.3, NM_001079804.3); short protein forms E801fs.
Identifiers: ClinVar variation 1810237 (VCV001810237.2), dbSNP rs2510399333, ClinGen allele CA2580095284.